The following is an entry in ClinVar:

NM_182493.3(MYLK3):c.1942A>T (p.Thr648Ser)

Gene: MYLK3 (myosin light chain kinase 3; minus strand). Cytogenetic location: 16q11.2.
Variant type: single nucleotide variant.
Coding change: c.1942A>T on transcript NM_182493.3 (MANE Select); coding-DNA position 1942, A replaced by T.
Protein change: p.Thr648Ser; replaces threonine 648 with serine.
Molecular consequence: missense variant.
Genome position (GRCh38, 1-based): chr16:46,721,166, T>A on the plus strand (A>T on the coding strand, the complement: MYLK3 is on the minus strand). VCF-style: chr16-46721166-T-A. GRCh37 (hg19) VCF-style: chr16-46755078-T-A.
Other names: c.919A>T, p.Thr307Ser (NM_001308301.1); short protein forms T307S, T648S.
Identifiers: ClinVar variation 1428460 (VCV001428460.6), dbSNP rs1250228134, ClinGen allele CA395789120.

ClinVar aggregate classification (germline): Uncertain significance (1 of 4 stars; one submission).

Allele frequency attached by ClinVar (database versions not stated): gnomAD 0.00001.
gnomAD v4.1: 1 of 1,614,096 alleles (0.000062%); highest among the groups gnomAD compares: Non-Finnish European, 0.000085%; no homozygotes.

Submission:

Labcorp Genetics (formerly Invitae), Labcorp
Classification: Uncertain significance. Last evaluated: 2021-10-16. Review status: criteria provided, single submitter. Criteria: Invitae Variant Classification Sherloc (09022015). Collection method: clinical testing. Allele origin: germline.
Comment: This sequence change replaces threonine with serine at codon 648 of the MYLK3 protein (p.Thr648Ser). The threonine residue is highly conserved and there is a small physicochemical difference between threonine and serine. In summary, the available evidence is currently insufficient to determine the role of this variant in disease. Therefore, it has been classified as a Variant of Uncertain Significance. Algorithms developed to predict the effect of missense changes on protein structure and function are either unavailable or do not agree on the potential impact of this missense change (SIFT: "Tolerated"; PolyPhen-2: "Possibly Damaging"; Align-GVGD: "Class C0"). This variant has not been reported in the literature in individuals affected with MYLK3-related conditions. This variant is not present in population databases (ExAC no frequency).